The following is an entry in ClinVar:

NM_005491.5(MAMLD1):c.1485G>T (p.Gln495His)

Gene: MAMLD1 (mastermind like domain containing 1; plus strand). Cytogenetic location: Xq28.
Variant type: single nucleotide variant.
Coding change: c.1485G>T on transcript NM_005491.5 (MANE Select); coding-DNA position 1485, G replaced by T.
Protein change: p.Gln495His; replaces glutamine 495 with histidine.
Molecular consequence: missense variant.
Genome position (GRCh38, 1-based): chrX:150,471,058, G>T. VCF-style: chrX-150471058-G-T. GRCh37 (hg19) VCF-style: chrX-149639330-G-T.
Other names: c.1485G>T, p.Gln495His (NM_001400513.1, NM_001400515.1, NM_001400512.1); c.1410G>T, p.Gln470His (NM_001400514.1, NM_001177465.3, NM_001177466.3); short protein forms Q495H, Q470H.
Identifiers: ClinVar variation 4769411 (VCV004769411.1).

ClinVar aggregate classification (germline): Uncertain significance (1 of 4 stars; one submission).

gnomAD v4.1: 2 of 1,209,524 alleles (0.00017%); highest among the groups gnomAD compares: Non-Finnish European, 0.00011%; no homozygotes.

Submission:

Labcorp Genetics (formerly Invitae), Labcorp
Classification: Uncertain significance. Last evaluated: 2025-05-07. Review status: criteria provided, single submitter. Criteria: Invitae Variant Classification Sherloc (09022015). Collection method: clinical testing. Allele origin: germline.
Comment: This sequence change replaces glutamine, which is neutral and polar, with histidine, which is basic and polar, at codon 495 of the MAMLD1 protein (p.Gln495His). This variant is not present in population databases (gnomAD no frequency). This variant has not been reported in the literature in individuals affected with MAMLD1-related conditions. An algorithm developed to predict the effect of missense changes on protein structure and function (PolyPhen-2) suggests that this variant is likely to be tolerated. In summary, the available evidence is currently insufficient to determine the role of this variant in disease. Therefore, it has been classified as a Variant of Uncertain Significance.